The following is an entry in ClinVar:

ClinVar aggregate classification (germline): Likely pathogenic. Review status: criteria provided, single submitter (1 of 4 stars). 3 submissions from 3 submitters: Likely pathogenic (1). 2 of the submissions do not count toward it. Last evaluated 2024-05-08.

Conditions:
Primary hyperoxaluria, type II (HP2). Also called: D-GLYCERATE DEHYDROGENASE DEFICIENCY; GLYCERIC ACIDURIA; GLYOXYLATE REDUCTASE/HYDROXYPYRUVATE REDUCTASE DEFICIENCY; OXALOSIS II; Primary hyperoxaluria type 2. Identifiers: Orphanet 416, Orphanet 93599, MedGen C0268165, MONDO:0009824, OMIM 260000. Disease mechanism: loss of function.

Allele frequency attached by ClinVar (database versions not stated): gnomAD exomes below 0.00001.
gnomAD v4.1: 1 of 1,537,482 alleles (0.000065%); no homozygotes.

Submissions (3):

Natera, Inc.
Classification: Likely pathogenic for Primary hyperoxaluria type II. Last evaluated: 2024-05-08. Review status: criteria provided, single submitter. Criteria: Natera Variant Classification Schema (03/2026). Collection method: clinical testing. Allele origin: germline.
Comment: The c.598+1G>T variant in GRHPR is a canonical splice donor site variant predicted to affect pre-mRNA splicing, which may result in an abnormal transcript and altered protein product. This variant is expected to result in nonsense mediated decay, truncation, or a dysfunctional protein product. This variant is rare in the general population with a frequency below the threshold expected for the associated phenotype(s). Given the available evidence, this variant is classified as Likely Pathogenic.

Gharavi Laboratory, Columbia University
Classification: Uncertain significance. Last evaluated: 2018-09-16. Review status: no assertion criteria provided. Criteria: ACMG Guidelines, 2015. Collection method: research. Allele origin: germline. Affected: yes. Not counted in ClinVar's aggregate classification.

Counsyl
Classification: Likely pathogenic for Primary hyperoxaluria, type II. Last evaluated: 2016-12-28. Review status: no assertion criteria provided. Collection method: clinical testing. Allele origin: unknown. Not counted in ClinVar's aggregate classification.

NM_012203.2(GRHPR):c.598+1G>T

Gene: GRHPR (glyoxylate and hydroxypyruvate reductase; plus strand). Cytogenetic location: 9p13.2.
Variant type: single nucleotide variant.
Coding change: c.598+1G>T on transcript NM_012203.2 (MANE Select); the canonical splice donor site of the intron after coding-DNA position 598, G replaced by T.
Molecular consequence: splice donor variant.
Genome position (GRCh38, 1-based): chr9:37,429,837, G>T. VCF-style: chr9-37429837-G-T. GRCh37 (hg19) VCF-style: chr9-37429834-G-T.
Identifiers: ClinVar variation 550070 (VCV000550070.3), dbSNP rs111256477, ClinGen allele CA192890660.